The following is an entry in ClinVar:

ClinVar aggregate classification (germline): Uncertain significance (1 of 4 stars; one submission).

Allele frequency attached by ClinVar (database versions not stated): TOPMed 0.00003; gnomAD 0.00004; ExAC 0.00010; 1000 Genomes Project 0.00040; 1000 Genomes Project 30x 0.00047.
gnomAD v4.1: 50 of 1,614,184 alleles (0.0031%); highest among the groups gnomAD compares: East Asian, 0.091%; 2 homozygotes.

Submission:

Labcorp Genetics (formerly Invitae), Labcorp
Classification: Uncertain significance. Last evaluated: 2022-06-29. Review status: criteria provided, single submitter. Criteria: Invitae Variant Classification Sherloc (09022015). Collection method: clinical testing. Allele origin: germline.
Comment: This sequence change replaces proline, which is neutral and non-polar, with alanine, which is neutral and non-polar, at codon 210 of the ABHD5 protein (p.Pro210Ala). This variant is present in population databases (rs189968197, gnomAD 0.1%). This variant has not been reported in the literature in individuals affected with ABHD5-related conditions. Algorithms developed to predict the effect of missense changes on protein structure and function are either unavailable or do not agree on the potential impact of this missense change (SIFT: "Tolerated"; PolyPhen-2: "Possibly Damaging"; Align-GVGD: "Class C0"). In summary, the available evidence is currently insufficient to determine the role of this variant in disease. Therefore, it has been classified as a Variant of Uncertain Significance.

NM_016006.6(ABHD5):c.628C>G (p.Pro210Ala)

Gene: ABHD5 (abhydrolase domain containing 5, lysophosphatidic acid acyltransferase; plus strand). Cytogenetic location: 3p21.33.
Variant type: single nucleotide variant.
Coding change: c.628C>G on transcript NM_016006.6 (MANE Select); coding-DNA position 628, C replaced by G.
Protein change: p.Pro210Ala; replaces proline 210 with alanine.
Molecular consequence: missense variant. On other transcripts: non-coding transcript variant (1).
Genome position (GRCh38, 1-based): chr3:43,711,830, C>G. VCF-style: chr3-43711830-C-G. GRCh37 (hg19) VCF-style: chr3-43753322-C-G.
Other names: c.628C>G, p.Pro210Ala (NM_001355186.2, NM_001365650.1); c.505C>G, p.Pro169Ala (NM_001365649.1); short protein forms P169A, P210A.
Identifiers: ClinVar variation 1896605 (VCV001896605.2), dbSNP rs189968197, ClinGen allele CA2341386.